The following is an entry in ClinVar:

NM_005120.3(MED12):c.478A>G (p.Ile160Val)

Gene: MED12 (mediator complex subunit 12; plus strand). Cytogenetic location: Xq13.1.
Variant type: single nucleotide variant.
Coding change: c.478A>G on transcript NM_005120.3 (MANE Select); coding-DNA position 478, A replaced by G.
Protein change: p.Ile160Val; replaces isoleucine 160 with valine.
Molecular consequence: missense variant.
Genome position (GRCh38, 1-based): chrX:71,120,095, A>G. VCF-style: chrX-71120095-A-G. GRCh37 (hg19) VCF-style: chrX-70339945-A-G.
Other names: c.478A>G (NM_005120.2); short protein forms I160V.
Identifiers: ClinVar variation 2133016 (VCV002133016.5), dbSNP rs2519663783, ClinGen allele CA413500038.

ClinVar aggregate classification (germline): Uncertain significance. Review status: criteria provided, multiple submitters, no conflicts (2 of 4 stars). 2 submissions from 2 submitters: Uncertain significance (2). Last evaluated 2024-09-26.

Conditions:
FG syndrome (FGS). Identifiers: MedGen C0220769, MONDO:0002010.

Submissions (2):

GeneDx
Classification: Uncertain significance. Last evaluated: 2024-09-26. Review status: criteria provided, single submitter. Criteria: GeneDx Variant Classification Process June 2021. Collection method: clinical testing. Allele origin: germline. Affected: yes.
Comment: Not observed at significant frequency in large population cohorts (gnomAD); In silico analysis indicates that this missense variant does not alter protein structure/function; Has not been previously published as pathogenic or benign to our knowledge

Labcorp Genetics (formerly Invitae), Labcorp
Classification: Uncertain significance for FG syndrome. Last evaluated: 2022-05-02. Review status: criteria provided, single submitter. Criteria: Invitae Variant Classification Sherloc (09022015). Collection method: clinical testing. Allele origin: germline.
Comment: In summary, the available evidence is currently insufficient to determine the role of this variant in disease. Therefore, it has been classified as a Variant of Uncertain Significance. Advanced modeling of protein sequence and biophysical properties (such as structural, functional, and spatial information, amino acid conservation, physicochemical variation, residue mobility, and thermodynamic stability) performed at Invitae indicates that this missense variant is not expected to disrupt MED12 protein function. This variant has not been reported in the literature in individuals affected with MED12-related conditions. This variant is not present in population databases (gnomAD no frequency). This sequence change replaces isoleucine, which is neutral and non-polar, with valine, which is neutral and non-polar, at codon 160 of the MED12 protein (p.Ile160Val).